The following is an entry in ClinVar:

ClinVar aggregate classification (germline): Uncertain significance (1 of 4 stars; one submission).

Conditions:
Landau-Kleffner syndrome (FESD). Also called: EPILEPSY, FOCAL, WITH SPEECH DISORDER AND WITH OR WITHOUT MENTAL RETARDATION; APHASIA, ACQUIRED, WITH EPILEPSY. Identifiers: Orphanet 1945, Orphanet 725, Orphanet 98818, MedGen C0282512, MONDO:0009509, OMIM 245570.

gnomAD v4.1: 2 of 1,613,916 alleles (0.00012%); highest among the groups gnomAD compares: East Asian, 0.0022%; no homozygotes.

Submission:

Labcorp Genetics (formerly Invitae), Labcorp
Classification: Uncertain significance for Landau-Kleffner syndrome. Last evaluated: 2022-11-14. Review status: criteria provided, single submitter. Criteria: Invitae Variant Classification Sherloc (09022015). Collection method: clinical testing. Allele origin: germline.
Comment: This sequence change replaces isoleucine, which is neutral and non-polar, with valine, which is neutral and non-polar, at codon 605 of the GRIN2A protein (p.Ile605Val). This variant is not present in population databases (gnomAD no frequency). This variant has not been reported in the literature in individuals affected with GRIN2A-related conditions. Advanced modeling of protein sequence and biophysical properties (such as structural, functional, and spatial information, amino acid conservation, physicochemical variation, residue mobility, and thermodynamic stability) performed at Invitae indicates that this missense variant is not expected to disrupt GRIN2A protein function. In summary, the available evidence is currently insufficient to determine the role of this variant in disease. Therefore, it has been classified as a Variant of Uncertain Significance.

NM_001134407.3(GRIN2A):c.1813A>G (p.Ile605Val)

Gene: GRIN2A (glutamate ionotropic receptor NMDA type subunit 2A; minus strand). Cytogenetic location: 16p13.2.
Variant type: single nucleotide variant.
Coding change: c.1813A>G on transcript NM_001134407.3 (MANE Select); coding-DNA position 1813, A replaced by G.
Protein change: p.Ile605Val; replaces isoleucine 605 with valine.
Molecular consequence: missense variant.
Genome position (GRCh38, 1-based): chr16:9,829,617, T>C on the plus strand (A>G on the coding strand, the complement: GRIN2A is on the minus strand). VCF-style: chr16-9829617-T-C. GRCh37 (hg19) VCF-style: chr16-9923474-T-C.
Other names: c.1813A>G, p.Ile605Val (NM_000833.5, NM_001134408.2); short protein forms I605V.
Identifiers: ClinVar variation 2784278 (VCV002784278.3), dbSNP rs2506111992, ClinGen allele CA394799784.
Genomic context (GRCh38, chr16:9,829,617, plus strand): 5'-TCCCTTTAGGATTCTGGACAGGCACGGAGTTATTGAACACCAGGCCCCAAAGAAGCCATA[T>C]AGCTTTTCCAATTGTAAAAGAAGGCCCATGGGGTGCTGCAGAAGATGAAAAGGACATTCT-3'
Protein context (NP_001127879.1, residues 595-615): HGPSFTIGKA[Ile605Val]WLLWGLVFNN